The following is an entry in ClinVar:

ClinVar aggregate classification (germline): Conflicting classifications of pathogenicity. Review status: criteria provided, conflicting classifications (1 of 4 stars). 2 submissions from 2 submitters: Uncertain significance (1); Likely benign (1). Last evaluated 2026-06-25.

Conditions:
Hereditary cancer-predisposing syndrome. Also called: Tumor predisposition; Hereditary neoplastic syndrome; Neoplastic Syndromes, Hereditary; Hereditary Cancer Syndrome. Identifiers: Orphanet 140162, MedGen C0027672, MeSH D009386, MONDO:0015356.

Allele frequency attached by ClinVar (database versions not stated): gnomAD exomes below 0.00001.
gnomAD v4.1: 1 of 1,613,942 alleles (0.000062%); highest among the groups gnomAD compares: Non-Finnish European, 0.000085%; no homozygotes.

Submissions (2):

Ambry Genetics
Classification: Likely benign for Hereditary cancer-predisposing syndrome. Last evaluated: 2026-06-25. Review status: criteria provided, single submitter. Criteria: Ambry Variant Classification Scheme 2023. Collection method: clinical testing. Allele origin: germline.

Color Diagnostics, LLC DBA Color Health
Classification: Uncertain significance for Hereditary cancer-predisposing syndrome. Last evaluated: 2023-12-05. Review status: criteria provided, single submitter. Criteria: ACMG Guidelines, 2015. Collection method: clinical testing. Allele origin: germline.
Comment: This missense variant replaces alanine with threonine at codon 2688 of the ATM protein. Computational prediction suggests that this variant may not impact protein structure and function (internally defined REVEL score threshold <= 0.5, PMID: 27666373). To our knowledge, functional studies have not been reported for this variant. This variant has not been reported in individuals affected with ATM-related disorders in the literature. This variant has not been identified in the general population by the Genome Aggregation Database (gnomAD). The available evidence is insufficient to determine the role of this variant in disease conclusively. Therefore, this variant is classified as a Variant of Uncertain Significance.

NM_000051.4(ATM):c.8062G>A (p.Ala2688Thr)

Genes: ATM (ATM serine/threonine kinase; plus strand), C11orf65 (chromosome 11 open reading frame 65; minus strand). Cytogenetic location: 11q22.3.
Variant type: single nucleotide variant.
Coding change: c.8062G>A on transcript NM_000051.4 (MANE Select); coding-DNA position 8062, G replaced by A.
Protein change: p.Ala2688Thr; replaces alanine 2688 with threonine.
Molecular consequence: missense variant. On other transcripts: intron variant (2).
Genome position (GRCh38, 1-based): chr11:108,335,020, G>A. VCF-style: chr11-108335020-G-A. GRCh37 (hg19) VCF-style: chr11-108205747-G-A.
Other names: c.8062G>A, p.Ala2688Thr (NM_001351834.2); c.641-25949C>T (NM_001330368.2); c.*38+200C>T (NM_001351110.2); short protein forms A2688T.
Identifiers: ClinVar variation 628166 (VCV000628166.7), dbSNP rs1565540761, ClinGen allele CA382561967.